The following is an entry in ClinVar:

NM_001370259.2(MEN1):c.417C>G (p.His139Gln)

Gene: MEN1 (menin 1; minus strand). Cytogenetic location: 11q13.1.
Variant type: single nucleotide variant.
Coding change: c.417C>G on transcript NM_001370259.2 (MANE Select); coding-DNA position 417, C replaced by G.
Protein change: p.His139Gln; replaces histidine 139 with glutamine.
Molecular consequence: missense variant.
Genome position (GRCh38, 1-based): chr11:64,809,693, G>C on the plus strand (C>G on the coding strand, the complement: MEN1 is on the minus strand). VCF-style: chr11-64809693-G-C. GRCh37 (hg19) VCF-style: chr11-64577165-G-C.
Other names: c.417C>G, p.His139Gln (NM_000244.4, NM_001370251.2, NM_001370260.2 and 9 more transcripts); short protein forms H139Q.
Identifiers: ClinVar variation 36529 (VCV000036529.4), dbSNP rs386134254, ClinGen allele CA009417.

ClinVar aggregate classification (germline): Likely pathogenic (1 of 4 stars; one submission).

Conditions:
Multiple endocrine neoplasia, type 1 (MEN1). Also called: Endocrine adenomatosis multiple; MEN 1; MEA I; MEN I; WERMER SYNDROME. Identifiers: Orphanet 652, MedGen C0025267, MeSH D018761, MONDO:0007540, OMIM 131100.

Submission:

Women's Health and Genetics/Laboratory Corporation of America, LabCorp
Classification: Likely pathogenic for Multiple Endocrine Neoplasia Type 1. Last evaluated: 2011-08-18. Review status: criteria provided, single submitter. Criteria: LabCorp Variant Classification Summary - May 2015. Collection method: curation, clinical testing. Allele origin: germline. Inheritance: autosomal unknown. Affected: yes.
ClinVar note: Converted during submission from likely pathogenic to Likely pathogenic.